The following is an entry in ClinVar:

ClinVar aggregate classification (germline): Likely benign. Review status: criteria provided, multiple submitters, no conflicts (2 of 4 stars). 2 submissions from 2 submitters: Likely benign (2). Last evaluated 2024-10-10.

Allele frequency attached by ClinVar (database versions not stated): TOPMed 0.00003; gnomAD exomes 0.00005; ExAC 0.00007; gnomAD 0.00007; ESP Exome Variant Server 0.00008; 1000 Genomes Project 30x 0.00016; 1000 Genomes Project 0.00020.
gnomAD v4.1: 91 of 1,614,200 alleles (0.0056%); highest among the groups gnomAD compares: Middle Eastern, 0.016%; no homozygotes.

Submissions (2):

Blueprint Genetics
Classification: Likely benign. Last evaluated: 2024-10-10. Review status: criteria provided, single submitter. Criteria: ACMG Guidelines, 2015. Collection method: clinical testing. Allele origin: germline.

CeGaT Center for Human Genetics Tuebingen
Classification: Likely benign. Last evaluated: 2022-10-01. Review status: criteria provided, single submitter. Criteria: CeGaT Center For Human Genetics Tuebingen Variant Classification Criteria Version 2. Collection method: clinical testing. Allele origin: germline. Affected: yes. Observed: 1 variant allele.
Comment: NFASC: BP4, BP7

NM_001005388.3(NFASC):c.252C>T (p.Ile84=)

Gene: NFASC (neurofascin; plus strand). Cytogenetic location: 1q32.1.
Variant type: single nucleotide variant.
Coding change: c.252C>T on transcript NM_001005388.3 (MANE Select); coding-DNA position 252, C replaced by T.
Protein change: p.Ile84=; no amino-acid change (isoleucine 84 retained).
Molecular consequence: synonymous variant. On other transcripts: non-coding transcript variant (1).
Genome position (GRCh38, 1-based): chr1:204,954,224, C>T. VCF-style: chr1-204954224-C-T. GRCh37 (hg19) VCF-style: chr1-204923352-C-T.
Other names: c.252C>T, p.Ile84= (NM_001005389.2, NM_001378329.1); c.234C>T, p.Ile78= (NM_001160331.2, NM_001160332.2, NM_001160333.2 and 4 more transcripts).
Identifiers: ClinVar variation 2639835 (VCV002639835.25), dbSNP rs375752918, ClinGen allele CA1349529.